The following is an entry in ClinVar:

NM_000531.6(OTC):c.133C>G (p.Leu45Val)

Gene: OTC (ornithine transcarbamylase; plus strand). Cytogenetic location: Xp11.4.
Variant type: single nucleotide variant.
Coding change: c.133C>G on transcript NM_000531.6 (MANE Select); coding-DNA position 133, C replaced by G.
Protein change: p.Leu45Val; replaces leucine 45 with valine.
Molecular consequence: missense variant.
Genome position (GRCh38, 1-based): chrX:38,367,346, C>G. VCF-style: chrX-38367346-C-G. GRCh37 (hg19) VCF-style: chrX-38226599-C-G.
Other names: short protein forms L45V.
Identifiers: ClinVar variation 97110 (VCV000097110.3), dbSNP rs72554311, ClinGen allele CA224460.

ClinVar aggregate classification (germline): Pathogenic. Review status: criteria provided, single submitter (1 of 4 stars). 2 submissions from 2 submitters: Pathogenic (1). 1 of the submissions does not count toward it. Last evaluated 2025-07-21.

Conditions:
Ornithine carbamoyltransferase deficiency (OTCD). Also called: ORNITHINE TRANSCARBAMYLASE DEFICIENCY, HYPERAMMONEMIA DUE TO; ORNITHINE TRANSCARBAMYLASE DEFICIENCY; OTC DEFICIENCY; Ornithine Carbamoyltransferase Deficiency Disease. Identifiers: Orphanet 664, MedGen C0268542, MONDO:0010703, OMIM 311250.

Submissions (2):

Labcorp Genetics (formerly Invitae), Labcorp
Classification: Pathogenic for Ornithine carbamoyltransferase deficiency. Last evaluated: 2025-07-21. Review status: criteria provided, single submitter. Criteria: Invitae Variant Classification Sherloc (09022015). Collection method: clinical testing. Allele origin: germline.
Comment: This sequence change replaces leucine, which is neutral and non-polar, with valine, which is neutral and non-polar, at codon 45 of the OTC protein (p.Leu45Val). This variant is not present in population databases (gnomAD no frequency). This missense change has been observed in individual(s) with ornithine transcarbamylase deficiency (PMID: 30175132). ClinVar contains an entry for this variant (Variation ID: 97110). Invitae Evidence Modeling of protein sequence and biophysical properties (such as structural, functional, and spatial information, amino acid conservation, physicochemical variation, residue mobility, and thermodynamic stability) indicates that this missense variant is expected to disrupt OTC protein function with a positive predictive value of 95%. This variant disrupts the p.Leu45 amino acid residue in OTC. Other variant(s) that disrupt this residue have been observed in individuals with OTC-related conditions (PMID: 1671317; internal data), which suggests that this may be a clinically significant amino acid residue. For these reasons, this variant has been classified as Pathogenic.

GenMed Metabolism Lab
Classification: Pathogenic. Review status: no assertion criteria provided. Collection method: not provided. Allele origin: unknown. Not counted in ClinVar's aggregate classification.
ClinVar note: Converted during submission from pathogenic to Pathogenic.

Literature cited by the submitters: PubMed 30175132 (cited by Labcorp Genetics (formerly Invitae), Labcorp); PubMed 1671317 (cited by Labcorp Genetics (formerly Invitae), Labcorp).